The following is an entry in ClinVar:

ClinVar aggregate classification (germline): Uncertain significance (1 of 4 stars; one submission).

Conditions:
Hypertrophic cardiomyopathy 26. Also called: Cardiomyopathy, familial hypertrophic, 26. Identifiers: Orphanet 75249, MedGen C4310749, MONDO:0014883, OMIM 617047.
Myofibrillar myopathy 5. Also called: Filaminopathy (type); FILAMINOPATHY, AUTOSOMAL DOMINANT. Identifiers: Orphanet 171445, MedGen C1836050, MONDO:0012289, OMIM 609524.
Distal myopathy with posterior leg and anterior hand involvement. Also called: WILLIAMS DISTAL MYOPATHY. Identifiers: Orphanet 63273, MedGen C3279722, MONDO:0013550, OMIM 614065.

Submission:

Labcorp Genetics (formerly Invitae), Labcorp
Classification: Uncertain significance for Distal myopathy with posterior leg and anterior hand involvement; Myofibrillar myopathy 5; Hypertrophic cardiomyopathy 26. Last evaluated: 2023-12-02. Review status: criteria provided, single submitter. Criteria: Invitae Variant Classification Sherloc (09022015). Collection method: clinical testing. Allele origin: germline.
Comment: This sequence change replaces valine, which is neutral and non-polar, with leucine, which is neutral and non-polar, at codon 586 of the FLNC protein (p.Val586Leu). This variant is not present in population databases (gnomAD no frequency). This variant has not been reported in the literature in individuals affected with FLNC-related conditions. Advanced modeling of protein sequence and biophysical properties (such as structural, functional, and spatial information, amino acid conservation, physicochemical variation, residue mobility, and thermodynamic stability) has been performed at Invitae for this missense variant, however the output from this modeling did not meet the statistical confidence thresholds required to predict the impact of this variant on FLNC protein function. In summary, the available evidence is currently insufficient to determine the role of this variant in disease. Therefore, it has been classified as a Variant of Uncertain Significance.

NM_001458.5(FLNC):c.1756G>T (p.Val586Leu)

Gene: FLNC (filamin C; plus strand). Cytogenetic location: 7q32.1.
Variant type: single nucleotide variant.
Coding change: c.1756G>T on transcript NM_001458.5 (MANE Select); coding-DNA position 1756, G replaced by T.
Protein change: p.Val586Leu; replaces valine 586 with leucine.
Molecular consequence: missense variant.
Genome position (GRCh38, 1-based): chr7:128,840,913, G>T. VCF-style: chr7-128840913-G-T. GRCh37 (hg19) VCF-style: chr7-128480967-G-T.
Other names: c.1756G>T, p.Val586Leu (NM_001127487.2); short protein forms V586L.
Identifiers: ClinVar variation 2954371 (VCV002954371.3), dbSNP rs1406758907, ClinGen allele CA369227007.